The following is an entry in ClinVar:

NM_001365951.3(KIF1B):c.2278A>C (p.Thr760Pro)

Gene: KIF1B (kinesin family member 1B; plus strand). Cytogenetic location: 1p36.22.
Variant type: single nucleotide variant.
Coding change: c.2278A>C on transcript NM_001365951.3 (MANE Select); coding-DNA position 2278, A replaced by C.
Protein change: p.Thr760Pro; replaces threonine 760 with proline.
Molecular consequence: missense variant.
Genome position (GRCh38, 1-based): chr1:10,321,777, A>C. VCF-style: chr1-10321777-A-C. GRCh37 (hg19) VCF-style: chr1-10381835-A-C.
Other names: c.2278A>C, p.Thr760Pro (NM_001365952.1); c.2140A>C, p.Thr714Pro (NM_015074.3); short protein forms T714P, T760P.
Identifiers: ClinVar variation 4858872 (VCV004858872.1).
Genomic context (GRCh38, chr1:10,321,777, plus strand): 5'-ACACAGCATGAATTTGAGTTGGCCCAATGGGCCTTCCGGAAATGGAAGTCTCATCAGTTT[A>C]CTTCATTACGGGACTTACTCTGGGGCAATGCCGTGTACCTAAAGGAGGCCAATGCCATCA-3'
Protein context (NP_001352880.1, residues 750-770): AFRKWKSHQF[Thr760Pro]SLRDLLWGNA

ClinVar aggregate classification (germline): Uncertain significance (1 of 4 stars; one submission).

Submission:

Ambry Genetics
Classification: Uncertain significance. Last evaluated: 2026-05-23. Review status: criteria provided, single submitter. Criteria: Ambry Variant Classification Scheme 2023. Collection method: clinical testing. Allele origin: germline.
Comment: The p.T714P variant (also known as c.2140A>C), located in coding exon 21 of the KIF1B gene, results from an A to C substitution at nucleotide position 2140. The threonine at codon 714 is replaced by proline, an amino acid with highly similar properties. This amino acid position is conserved. In addition, this alteration is predicted to be deleterious by in silico analysis. Based on the available evidence, the clinical significance of this variant remains unclear.